The following is an entry in ClinVar:

ClinVar aggregate classification (germline): Benign. Review status: criteria provided, multiple submitters, no conflicts (2 of 4 stars). 4 submissions from 4 submitters: Benign (4). Last evaluated 2026-02-02.

Conditions:
Fraser syndrome 1 (FRASRS1). Also called: CRYPTOPHTHALMOS WITH OTHER MALFORMATIONS. Identifiers: Orphanet 2052, MedGen C4551480, MONDO:0054737, OMIM 219000.

Allele frequency attached by ClinVar (database versions not stated): gnomAD exomes 0.01534 and 0.03700; ExAC 0.04326; gnomAD 0.11113 and 0.11760; ESP Exome Variant Server 0.11989; TOPMed 0.12569; 1000 Genomes Project 0.13518; 1000 Genomes Project 30x 0.14007.
gnomAD v4.1: 40,297 of 1,613,728 alleles (2.5%); highest among the groups gnomAD compares: African/African-American, 37%; 5,553 homozygotes.

Submissions (4):

Labcorp Genetics (formerly Invitae), Labcorp
Classification: Benign. Last evaluated: 2026-02-02. Review status: criteria provided, single submitter. Criteria: Invitae Variant Classification Sherloc (09022015). Collection method: clinical testing. Allele origin: germline.

Mayo Clinic Laboratories, Mayo Clinic
Classification: Benign. Last evaluated: 2022-10-30. Review status: criteria provided, single submitter. Criteria: ACMG Guidelines, 2015. Collection method: clinical testing. Allele origin: germline. Observed: 9 variant alleles.

Illumina Laboratory Services, Illumina
Classification: Benign for Fraser syndrome 1. Last evaluated: 2018-01-12. Review status: criteria provided, single submitter. Criteria: ICSL Variant Classification Criteria 13 December 2019. Collection method: clinical testing. Allele origin: germline.
Comment: This variant was observed in the ICSL laboratory as part of a predisposition screen in an ostensibly healthy population. It had not been previously curated by ICSL or reported in the Human Gene Mutation Database (HGMD: prior to June 1st, 2018), and was therefore a candidate for classification through an automated scoring system. Utilizing variant allele frequency, disease prevalence and penetrance estimates, and inheritance mode, an automated score was calculated to assess if this variant is too frequent to cause the disease. Based on the score and internal cut-off values, a variant classified as benign is not then subjected to further curation. The score for this variant resulted in a classification of benign for this disease.

Breakthrough Genomics
Classification: Benign. Review status: criteria provided, single submitter. Criteria: ACMG Guidelines, 2015. Collection method: not provided. Allele origin: germline. Inheritance: Autosomal recessive inheritance. Affected: yes.

NM_025074.7(FRAS1):c.1617A>G (p.Arg539=)

Gene: FRAS1 (Fraser extracellular matrix complex subunit 1; plus strand). Cytogenetic location: 4q21.21.
Variant type: single nucleotide variant.
Coding change: c.1617A>G on transcript NM_025074.7 (MANE Select); coding-DNA position 1617, A replaced by G.
Protein change: p.Arg539=; no amino-acid change (arginine 539 retained).
Molecular consequence: synonymous variant.
Genome position (GRCh38, 1-based): chr4:78,308,148, A>G. VCF-style: chr4-78308148-A-G. GRCh37 (hg19) VCF-style: chr4-79229302-A-G.
Other names: p.Arg539=; c.1617A>G, p.Arg539= (NM_001166133.2).
Identifiers: ClinVar variation 349681 (VCV000349681.14), dbSNP rs345528, ClinGen allele CA2976366.